The following is an entry in ClinVar:

ClinVar aggregate classification (germline): Uncertain significance (1 of 4 stars; one submission).

Conditions:
Cyclical neutropenia. Also called: Cyclic hematopoiesis; Cyclic Neutropenia. Identifiers: Orphanet 2686, MedGen C0221023, MONDO:0008090, OMIM 162800, HP:0040289. Disease mechanism: loss of function.
Neutropenia, severe congenital, 1, autosomal dominant. Identifiers: MedGen C1859966, MONDO:0042490, OMIM 202700.

Submission:

Labcorp Genetics (formerly Invitae), Labcorp
Classification: Uncertain significance for Neutropenia, severe congenital, 1, autosomal dominant; Cyclical neutropenia. Last evaluated: 2021-02-02. Review status: criteria provided, single submitter. Criteria: Invitae Variant Classification Sherloc (09022015). Collection method: clinical testing. Allele origin: germline.
Comment: This sequence change replaces valine with methionine at codon 82 of the ELANE protein (p.Val82Met). The valine residue is highly conserved and there is a small physicochemical difference between valine and methionine. This variant is not present in population databases (ExAC no frequency). In summary, the available evidence is currently insufficient to determine the role of this variant in disease. Therefore, it has been classified as a Variant of Uncertain Significance. Algorithms developed to predict the effect of missense changes on protein structure and function are either unavailable or do not agree on the potential impact of this missense change (SIFT: "Deleterious"; PolyPhen-2: "Possibly Damaging"; Align-GVGD: "Class C0"). This variant has been observed in individual(s) with congenital neutropenia (PMID: 14962902, 19594744 23463630). This variant is also known as c.2192G>A (p.V53M).

NM_001972.4(ELANE):c.244G>A (p.Val82Met)

Gene: ELANE (elastase, neutrophil expressed; plus strand). Cytogenetic location: 19p13.3.
Variant type: single nucleotide variant.
Coding change: c.244G>A on transcript NM_001972.4 (MANE Select); coding-DNA position 244, G replaced by A.
Protein change: p.Val82Met; replaces valine 82 with methionine.
Molecular consequence: missense variant.
Genome position (GRCh38, 1-based): chr19:853,281, G>A. VCF-style: chr19-853281-G-A. GRCh37 (hg19) VCF-style: chr19-853281-G-A.
Other names: short protein forms V82M.
Identifiers: ClinVar variation 1524439 (VCV001524439.6), dbSNP rs2145144993, ClinGen allele CA402915175.